The following is an entry in ClinVar:

ClinVar aggregate classification (germline): Benign (1 of 4 stars; one submission).

Conditions:
Neuropathy, hereditary sensory and autonomic, type 1C. Also called: HSAN IC; HSN IC. Identifiers: Orphanet 36386, MedGen C3150896, MONDO:0013337, OMIM 613640.

Allele frequency attached by ClinVar (database versions not stated): gnomAD 0.01149 and 0.01233; TOPMed 0.01289; 1000 Genomes Project 0.01298; 1000 Genomes Project 30x 0.01390.

Submission:

Illumina Laboratory Services, Illumina
Classification: Benign for Neuropathy, hereditary sensory and autonomic, type 1C. Last evaluated: 2018-01-13. Review status: criteria provided, single submitter. Criteria: ICSL Variant Classification Criteria 13 December 2019. Collection method: clinical testing. Allele origin: germline.
Comment: This variant was observed in the ICSL laboratory as part of a predisposition screen in an ostensibly healthy population. It had not been previously curated by ICSL or reported in the Human Gene Mutation Database (HGMD: prior to June 1st, 2018), and was therefore a candidate for classification through an automated scoring system. Utilizing variant allele frequency, disease prevalence and penetrance estimates, and inheritance mode, an automated score was calculated to assess if this variant is too frequent to cause the disease. Based on the score and internal cut-off values, a variant classified as benign is not then subjected to further curation. The score for this variant resulted in a classification of benign for this disease.

NM_004863.4(SPTLC2):c.*4503A>G

Gene: SPTLC2 (serine palmitoyltransferase long chain base subunit 2; minus strand). Cytogenetic location: 14q24.3.
Variant type: single nucleotide variant.
Coding change: c.*4503A>G on transcript NM_004863.4 (MANE Select); 4503 bases downstream of the stop codon, A replaced by G.
Molecular consequence: 3 prime UTR variant.
Genome position (GRCh38, 1-based): chr14:77,507,781, T>C on the plus strand (A>G on the coding strand, the complement: SPTLC2 is on the minus strand). VCF-style: chr14-77507781-T-C. GRCh37 (hg19) VCF-style: chr14-77974124-T-C.
Identifiers: ClinVar variation 314586 (VCV000314586.5), dbSNP rs78947178, ClinGen allele CA10646347.